The following is an entry in ClinVar:

NM_000512.5(GALNS):c.235_236del (p.Cys79fs)

Gene: GALNS (galactosamine (N-acetyl)-6-sulfatase; minus strand). Cytogenetic location: 16q24.3.
Variant type: Microsatellite.
Coding change: c.235_236del on transcript NM_000512.5 (MANE Select); coding-DNA positions 235 to 236, 2 bases deleted (TG; older notation c.235_236delTG).
Protein change: p.Cys79fs; shifts the reading frame from cysteine 79.
Molecular consequence: frameshift variant. On other transcripts: intron variant (1).
Genome position (GRCh38, 1-based): chr16:88,842,714-88,842,715, CA deleted on the plus strand (TG on the coding strand, the reverse complement: GALNS is on the minus strand); deleting any 2 consecutive bases within chr16:88,842,714-88,842,717 gives the same sequence; the c. name uses the placement nearest the transcript's 3' end. VCF-style (leftmost placement, unchanged base first): chr16-88842713-GCA-G. GRCh37 (hg19) VCF-style: chr16-88909121-GCA-G.
Other names: c.235_236delTG (NM_000512.5); c.253_254del, p.Cys85fs (NM_001323544.2); c.-311-744_-311-743del (NM_001323543.2); short protein forms C79fs, C85fs.
Identifiers: ClinVar variation 1048387 (VCV001048387.4), dbSNP rs2143005467, ClinGen allele CA915940898.

ClinVar aggregate classification (germline): Pathogenic/Likely pathogenic. Review status: criteria provided, multiple submitters, no conflicts (2 of 4 stars). 2 submissions from 2 submitters: Pathogenic (1); Likely pathogenic (1). Last evaluated 2025-05-28.

Conditions:
Mucopolysaccharidosis, MPS-IV-A (MPS4A). Also called: Mucopolysaccharidosis type IV A; Mucopolysaccharidosis Type IVA; Morquio syndrome A, mild; MORQUIO SYNDROME A; MPS IVA; mucopolysaccharidosis type 4A. Identifiers: Orphanet 309297, Orphanet 582, MedGen C0086651, MONDO:0009659, OMIM 253000.

Submissions (2):

First Genomix Gene Laboratory, Genetic Diagnostics Department
Classification: Likely pathogenic for Mucopolysaccharidosis, MPS-IV-A. Last evaluated: 2025-05-28. Review status: criteria provided, single submitter. Criteria: ACMG Guidelines, 2015. Collection method: clinical testing. Allele origin: germline. Inheritance: Autosomal recessive inheritance. Affected: no. Observed: 1 variant allele.

Laboratory of Diagnosis and Therapy of Lysosomal Disorders, University of Padova
Classification: Pathogenic for Mucopolysaccharidosis, MPS-IV-A. Last evaluated: 2021-02-01. Review status: criteria provided, single submitter. Criteria: ACMG Guidelines, 2015. Collection method: curation. Allele origin: germline. Affected: yes.
Comment: Frameshift variant (PVS1_very strong); located in a mutational hot spot and/or critical and well-established functional domain without benign variation (PM1_moderate); absent from gnomAD v2.1.1 (PM2_moderate);

Literature cited by the submitters: PubMed 9298823 (cited by Laboratory of Diagnosis and Therapy of Lysosomal Disorders, University of Padova); PubMed 34387910 (cited by Laboratory of Diagnosis and Therapy of Lysosomal Disorders, University of Padova).